The following is an entry in ClinVar:

ClinVar aggregate classification (germline): Likely benign. Review status: criteria provided, multiple submitters, no conflicts (2 of 4 stars). 8 submissions from 8 submitters: Likely benign (5). 3 of the submissions do not count toward it. Last evaluated 2026-01-13.

Conditions:
Inborn genetic diseases. Identifiers: MedGen C0950123, MeSH D030342.
RAI1-related disorder. Also called: RAI1-related condition.

Submissions (8):

Labcorp Genetics (formerly Invitae), Labcorp
Classification: Likely benign. Last evaluated: 2026-01-13. Review status: criteria provided, single submitter. Criteria: Invitae Variant Classification Sherloc (09022015). Collection method: clinical testing. Allele origin: germline.

CeGaT Center for Human Genetics Tuebingen
Classification: Likely benign. Last evaluated: 2025-12-01. Review status: criteria provided, single submitter. Criteria: CeGaT Center For Human Genetics Tuebingen Variant Classification Criteria Version 2. Collection method: clinical testing. Allele origin: germline. Affected: yes. Observed: 7 variant alleles.
Comment: RAI1: BS1

Blueprint Genetics
Classification: Likely benign. Last evaluated: 2024-10-23. Review status: criteria provided, single submitter. Criteria: ACMG Guidelines, 2015. Collection method: clinical testing. Allele origin: germline.

GeneDx
Classification: Likely benign. Last evaluated: 2023-01-24. Review status: criteria provided, single submitter. Criteria: GeneDx Variant Classification Process June 2021. Collection method: clinical testing. Allele origin: germline. Affected: yes.
Comment: See Variant Classification Assertion Criteria.

Ambry Genetics
Classification: Likely benign for Inborn genetic diseases. Last evaluated: 2021-07-26. Review status: criteria provided, single submitter. Criteria: Ambry Variant Classification Scheme 2023. Collection method: clinical testing. Allele origin: germline.

PreventionGenetics, part of Exact Sciences
Classification: Likely benign for RAI1-related condition. Last evaluated: 2024-04-02. Review status: no assertion criteria provided. Collection method: clinical testing. Allele origin: germline. Not counted in ClinVar's aggregate classification.
Comment: This variant is classified as likely benign based on ACMG/AMP sequence variant interpretation guidelines (Richards et al. 2015 PMID: 25741868, with internal and published modifications).

Diagnostic Laboratory, Department of Genetics, University Medical Center Groningen
Classification: Likely benign. Review status: no assertion criteria provided. Collection method: clinical testing. Allele origin: germline. Affected: yes. Study: VKGL Data-share Consensus. Not counted in ClinVar's aggregate classification.

Laboratory of Diagnostic Genome Analysis, Leiden University Medical Center (LUMC)
Classification: Likely benign. Review status: no assertion criteria provided. Collection method: clinical testing. Allele origin: germline. Affected: yes. Study: VKGL Data-share Consensus. Not counted in ClinVar's aggregate classification.

NM_030665.4(RAI1):c.834GCA[8] (p.Gln287_Gln291del)

Gene: RAI1 (retinoic acid induced 1; plus strand). Cytogenetic location: 17p11.2.
Variant type: Microsatellite.
Coding change: c.834GCA[8] on transcript NM_030665.4 (MANE Select); eight copies in a row of the 3-base unit GCA starting at c.834; the reference has 13 copies in a row; five copies, 15 bases deleted; also written c.858_872del.
Protein change: p.Gln287_Gln291del.
Molecular consequence: inframe deletion.
Genome position (GRCh38, 1-based): chr17:17,793,806-17,793,820, GCAGCAGCAGCAGCA deleted; deleting any 15 consecutive bases within chr17:17,793,780-17,793,820 gives the same sequence; the position shown is the placement nearest the transcript's 3' end. VCF-style (leftmost placement, unchanged base first): chr17-17793779-CCAGCAGCAGCAGCAG-C. GRCh37 (hg19) VCF-style: chr17-17697093-CCAGCAGCAGCAGCAG-C.
Other names: c.858_872del15 (NM_030665.3); c.858_872delGCAGCAGCAGCAGCA (NM_030665.3); c.858_872del (NM_030665.3).
Identifiers: ClinVar variation 588823 (VCV000588823.80), dbSNP rs371983878, ClinGen allele CA498423000.